The following is an entry in ClinVar:

ClinVar aggregate classification (germline): Uncertain significance. Review status: criteria provided, multiple submitters, no conflicts (2 of 4 stars). 2 submissions from 2 submitters: Uncertain significance (2). Last evaluated 2025-10-06.

Conditions:
Achromatopsia 3 (ACHM3). Also called: ACHROMATOPSIA WITH MYOPIA; PINGELAPESE BLINDNESS; TOTAL COLORBLINDNESS WITH MYOPIA; ROD MONOCHROMACY 1; ROD MONOCHROMATISM 1. Identifiers: Orphanet 49382, MedGen C1849792, MONDO:0009875, OMIM 262300.

Submissions (2):

Myriad Genetics, Inc.
Classification: Uncertain significance for Achromatopsia 3. Last evaluated: 2025-10-06. Review status: criteria provided, single submitter. Criteria: Myriad Autosomal Dominant, Autosomal Recessive and X-Linked Classification Criteria (2023). Collection method: clinical testing. Allele origin: unknown.
Comment: NM_019098.4(CNGB3):c.1003_1011del9(F335_F337del) is an in-frame deletion classified as a variant of uncertain significance in the context of achromatopsia, CNGB3-related. F335_F337del has not been observed in cases with relevant disease. Relevant functional assessments of this variant are not available in the literature. F335_F337del has been observed in referenced population frequency databases. In summary, there is insufficient evidence to classify NM_019098.4(CNGB3):c.1003_1011del9(F335_F337del) as pathogenic or benign. Please note: this variant was assessed in the context of healthy population screening.

Labcorp Genetics (formerly Invitae), Labcorp
Classification: Uncertain significance. Last evaluated: 2021-08-26. Review status: criteria provided, single submitter. Criteria: Invitae Variant Classification Sherloc (09022015). Collection method: clinical testing. Allele origin: germline.
Comment: This variant, c.1003_1011del, results in the deletion of 3 amino acid(s) of the CNGB3 protein (p.Phe335_Phe337del), but otherwise preserves the integrity of the reading frame. The frequency data for this variant in the population databases is considered unreliable, as metrics indicate poor data quality at this position in the ExAC database. This variant has not been reported in the literature in individuals affected with CNGB3-related conditions. ClinVar contains an entry for this variant (Variation ID: 1011783). Experimental studies and prediction algorithms are not available or were not evaluated, and the functional significance of this variant is currently unknown. In summary, the available evidence is currently insufficient to determine the role of this variant in disease. Therefore, it has been classified as a Variant of Uncertain Significance.

NM_019098.5(CNGB3):c.1003_1011del (p.Phe335_Phe337del)

Gene: CNGB3 (cyclic nucleotide gated channel subunit beta 3; minus strand). Cytogenetic location: 8q21.3.
Variant type: Deletion.
Coding change: c.1003_1011del on transcript NM_019098.5 (MANE Select); coding-DNA positions 1003 to 1011, 9 bases deleted (TTTGAATTT; older notation c.1003_1011delTTTGAATTT).
Protein change: p.Phe335_Phe337del.
Molecular consequence: inframe deletion.
Genome position (GRCh38, 1-based): chr8:86,644,666-86,644,674, AAATTCAAA deleted on the plus strand (TTTGAATTT on the coding strand, the reverse complement: CNGB3 is on the minus strand); deleting any 9 consecutive bases within chr8:86,644,666-86,644,678 gives the same sequence; the c. name uses the placement nearest the transcript's 3' end. VCF-style (leftmost placement, unchanged base first): chr8-86644665-TAAATTCAAA-T. GRCh37 (hg19) VCF-style: chr8-87656893-TAAATTCAAA-T.
Identifiers: ClinVar variation 1011783 (VCV001011783.7), dbSNP rs745456939, ClinGen allele CA4800181.
Genomic context (GRCh38, chr8:86,644,665, plus strand): 5'-ACTGAGTTATACTTTACCTGTAGATATATGCTTTGTCCATTATAGACTCTAGGTGATGAT[TAAATTCAAA>T]AAATGAAGTGTACTATATAGAAAAGCAAAAGAAATCCAAAAGCATGTTAGTCTTAAATAT-3'